The following is an entry in ClinVar:

ClinVar aggregate classification (germline): Conflicting classifications of pathogenicity. Review status: criteria provided, conflicting classifications (1 of 4 stars). 4 submissions from 4 submitters: Uncertain significance (2); Likely benign (2). Last evaluated 2026-04-01.

Conditions:
LOXHD1-related disorder. Also called: LOXHD1-related condition.

Allele frequency attached by ClinVar (database versions not stated): ExAC 0.00037; TOPMed 0.00038; gnomAD 0.00041 and 0.00042; ESP Exome Variant Server 0.00044; gnomAD exomes 0.00044 and 0.00062.
gnomAD v4.1: 904 of 1,551,606 alleles (0.058%); highest among the groups gnomAD compares: Admixed American, 0.096%; 2 homozygotes.

Submissions (4):

CeGaT Center for Human Genetics Tuebingen
Classification: Likely benign. Last evaluated: 2026-04-01. Review status: criteria provided, single submitter. Criteria: CeGaT Center For Human Genetics Tuebingen Variant Classification Criteria Version 2. Collection method: clinical testing. Allele origin: germline. Affected: yes. Observed: 4 variant alleles.
Comment: LOXHD1: BP4, BS1:Supporting

PreventionGenetics, part of Exact Sciences
Classification: Uncertain significance for LOXHD1-related condition. Last evaluated: 2025-12-29. Review status: criteria provided, single submitter. Criteria: ACMG Guidelines, 2015. Collection method: clinical testing. Allele origin: germline.
Comment: The LOXHD1 c.1616T>C variant is predicted to result in the amino acid substitution p.Leu539Pro. This variant is referred to as c.1904T>C or c.5085+970T>C in the literature, using alternative transcripts NM_001145472 and NM_144612.6 respectively. This variant has been reported in the heterozygous state in an individual with Fuchs corneal dystrophy (Riazuddin et al. 2012. PubMed ID: 22341973) and in the compound heterozygous state with another LOXHD1 variant in individuals with nonsyndromic hearing loss (Wesdorp et al. 2018. PubMed ID: 29676012; Spedicati et al. 2023. PubMed ID: 36979683). Of note, one carrier parent was evaluated and did not have symptoms of Fuchs corneal dystrophy (Wesdorp et al. 2018. PubMed ID: 29676012). This variant is reported in 0.094% of alleles in individuals of Latino descent in gnomAD. At this time, the clinical significance of this variant is uncertain due to the absence of conclusive functional and genetic evidence.

GeneDx
Classification: Uncertain significance. Last evaluated: 2023-08-03. Review status: criteria provided, single submitter. Criteria: GeneDx Variant Classification Process June 2021. Collection method: clinical testing. Allele origin: germline. Affected: yes.
Comment: Identified in a patient with Fuchs corneal dystrophy in published literature (Riazuddin et al., 2012); In silico analysis supports that this missense variant does not alter protein structure/function; Reported using an alternate transcript of the gene; This variant is associated with the following publications: (PMID: 22341973, 32149082, 31547530, 29676012, 34130750)

Labcorp Genetics (formerly Invitae), Labcorp
Classification: Likely benign. Last evaluated: 2022-11-30. Review status: criteria provided, single submitter. Criteria: Invitae Variant Classification Sherloc (09022015). Collection method: clinical testing. Allele origin: germline.

NM_001384474.1(LOXHD1):c.5237T>C (p.Leu1746Pro)

Gene: LOXHD1 (lipoxygenase homology PLAT domains 1; minus strand). Cytogenetic location: 18q21.1.
Variant type: single nucleotide variant.
Coding change: c.5237T>C on transcript NM_001384474.1 (MANE Select); coding-DNA position 5237, T replaced by C.
Protein change: p.Leu1746Pro; replaces leucine 1746 with proline.
Molecular consequence: missense variant. On other transcripts: intron variant (1).
Genome position (GRCh38, 1-based): chr18:46,521,131, A>G on the plus strand (T>C on the coding strand, the complement: LOXHD1 is on the minus strand). VCF-style: chr18-46521131-A-G. GRCh37 (hg19) VCF-style: chr18-44101094-A-G.
Other names: c.1904T>C, p.Leu635Pro (NM_001145472.3); c.1616T>C, p.Leu539Pro (NM_001308013.2); c.5085+970T>C (NM_144612.7); c.1616T>C (NM_001308013.1); short protein forms L1746P, L539P, L635P.
Identifiers: ClinVar variation 1151057 (VCV001151057.38), dbSNP rs372241056, ClinGen allele CA8952237.